The following is an entry in ClinVar:

NM_000132.4(F8):c.6900+1G>C

Gene: F8 (coagulation factor VIII; minus strand). Cytogenetic location: Xq28.
Variant type: single nucleotide variant.
Coding change: c.6900+1G>C on transcript NM_000132.4 (MANE Select); the canonical splice donor site of the intron after coding-DNA position 6900, G replaced by C.
Molecular consequence: splice donor variant.
Genome position (GRCh38, 1-based): chrX:154,860,431, C>G on the plus strand (G>C on the coding strand, the complement: F8 is on the minus strand). VCF-style: chrX-154860431-C-G. GRCh37 (hg19) VCF-style: chrX-154088706-C-G.
Other names: c.495+1G>C (NM_019863.3).
Identifiers: ClinVar variation 2444177 (VCV002444177.1), dbSNP rs1409681779, ClinGen allele CA414902802.

ClinVar aggregate classification (germline): Likely pathogenic (1 of 4 stars; one submission).

Conditions:
Hereditary factor VIII deficiency disease (HEMA). Also called: Hemophilia A, congenital; HEM A; Factor 8 deficiency, congenital; HEMOPHILIA, CLASSIC; AUTOSOMAL HEMOPHILIA A; Hemophilia A. Identifiers: Orphanet 98878, MedGen C0019069, MONDO:0010602, OMIM 306700.

Submission:

3billion
Classification: Likely pathogenic for Hereditary factor VIII deficiency disease. Last evaluated: 2023-02-23. Review status: criteria provided, single submitter. Criteria: ACMG Guidelines, 2015. Collection method: clinical testing. Allele origin: unknown. Affected: yes.
Comment: The variant is not observed in the gnomAD v2.1.1 dataset. This variant was predicted to alter splicing and result in a loss or disruption of normal protein function. Multiple pathogenic variants are reported in the predicted truncated region. Therefore, this variant is classified as Likely pathogenic according to the recommendation of ACMG/AMP guideline.